The following is an entry in ClinVar:

ClinVar aggregate classification (germline): Conflicting classifications of pathogenicity. Review status: criteria provided, conflicting classifications (1 of 4 stars). 3 submissions from 3 submitters: Uncertain significance (2); Likely benign (1). Last evaluated 2024-09-24.

Conditions:
Hereditary cancer-predisposing syndrome. Also called: Hereditary neoplastic syndrome; Neoplastic Syndromes, Hereditary; Tumor predisposition; Hereditary Cancer Syndrome. Identifiers: Orphanet 140162, MedGen C0027672, MeSH D009386, MONDO:0015356.
Familial meningioma. Also called: Meningioma, familial, susceptibility to. Identifiers: Orphanet 263662, MedGen C3551915, MONDO:0011789, OMIM 607174.
Neurofibromatosis, type 2 (SWNV). Also called: SCHWANNOMATOSIS, VESTIBULAR; NF2-Related Schwannomatosis; BILATERAL ACOUSTIC NEUROFIBROMATOSIS. Identifiers: Orphanet 637, MedGen C0027832, MONDO:0007039, OMIM 101000. Disease mechanism: loss of function.

Allele frequency attached by ClinVar (database versions not stated): gnomAD exomes 0.00001; ExAC 0.00004.
gnomAD v4.1: 7 of 1,569,552 alleles (0.00045%); highest among the groups gnomAD compares: Middle Eastern, 0.05%; 1 homozygote.

Submissions (3):

Ambry Genetics
Classification: Likely benign for Hereditary cancer-predisposing syndrome. Last evaluated: 2024-09-24. Review status: criteria provided, single submitter. Criteria: Ambry Variant Classification Scheme 2023. Collection method: clinical testing. Allele origin: germline.

Fulgent Genetics
Classification: Uncertain significance for Neurofibromatosis, type 2; Familial meningioma. Last evaluated: 2024-01-08. Review status: criteria provided, single submitter. Criteria: ACMG Guidelines, 2015. Collection method: clinical testing. Allele origin: germline.

Labcorp Genetics (formerly Invitae), Labcorp
Classification: Uncertain significance for Neurofibromatosis, type 2. Last evaluated: 2023-10-13. Review status: criteria provided, single submitter. Criteria: Invitae Variant Classification Sherloc (09022015). Collection method: clinical testing. Allele origin: germline.
Comment: This sequence change replaces threonine, which is neutral and polar, with isoleucine, which is neutral and non-polar, at codon 477 of the NF2 protein (p.Thr477Ile). The frequency data for this variant in the population databases is considered unreliable, as metrics indicate poor data quality at this position in the gnomAD database. This variant has not been reported in the literature in individuals affected with NF2-related conditions. ClinVar contains an entry for this variant (Variation ID: 1957809). Advanced modeling of protein sequence and biophysical properties (such as structural, functional, and spatial information, amino acid conservation, physicochemical variation, residue mobility, and thermodynamic stability) performed at Invitae indicates that this missense variant is not expected to disrupt NF2 protein function. In summary, the available evidence is currently insufficient to determine the role of this variant in disease. Therefore, it has been classified as a Variant of Uncertain Significance.

NM_000268.4(NF2):c.1430C>T (p.Thr477Ile)

Gene: NF2 (NF2, moesin-ezrin-radixin like (MERLIN) tumor suppressor; plus strand). Cytogenetic location: 22q12.2.
Variant type: single nucleotide variant.
Coding change: c.1430C>T on transcript NM_000268.4 (MANE Select); coding-DNA position 1430, C replaced by T.
Protein change: p.Thr477Ile; replaces threonine 477 with isoleucine.
Molecular consequence: missense variant. On other transcripts: non-coding transcript variant (1), intron variant (1).
Genome position (GRCh38, 1-based): chr22:29,674,925, C>T. VCF-style: chr22-29674925-C-T. GRCh37 (hg19) VCF-style: chr22-30070914-C-T.
Other names: c.1316C>T, p.Thr439Ile (NM_001407053.1, NM_001407056.1); c.1307C>T, p.Thr436Ile (NM_001407054.1, NM_001407058.1, NM_181829.3); c.1304C>T, p.Thr435Ile (NM_001407055.1, NM_181828.3); c.1295C>T, p.Thr432Ile (NM_001407057.1, NM_001407059.1); c.1430C>T, p.Thr477Ile (NM_001407060.1, NM_001407066.1, NM_016418.5 and 2 more transcripts); c.1172C>T, p.Thr391Ile (NM_001407062.1); c.1181C>T, p.Thr394Ile (NM_001407063.1, NM_001407064.1, NM_181830.3 and 1 more transcripts); c.896C>T, p.Thr299Ile (NM_001407065.1); and 2 more; short protein forms T394I, T439I, T299I, T391I, T432I, T400I, T477I, T435I.
Identifiers: ClinVar variation 1957809 (VCV001957809.7), dbSNP rs761378464, ClinGen allele CA031350.